The following is an entry in ClinVar:

NM_004304.5(ALK):c.4142A>T (p.Glu1381Val)

Gene: ALK (ALK receptor tyrosine kinase; minus strand). Cytogenetic location: 2p23.2.
Variant type: single nucleotide variant.
Coding change: c.4142A>T on transcript NM_004304.5 (MANE Select); coding-DNA position 4142, A replaced by T.
Protein change: p.Glu1381Val; replaces glutamic acid 1381 with valine.
Molecular consequence: missense variant.
Genome position (GRCh38, 1-based): chr2:29,196,792, T>A on the plus strand (A>T on the coding strand, the complement: ALK is on the minus strand). VCF-style: chr2-29196792-T-A. GRCh37 (hg19) VCF-style: chr2-29419658-T-A.
Other names: c.938A>T, p.Glu313Val (NM_001353765.2); short protein forms E1381V, E313V.
Identifiers: ClinVar variation 3223892 (VCV003223892.1), dbSNP rs764517015, ClinGen allele CA1593654.
Genomic context (GRCh38, chr2:29,196,792, plus strand): 5'-ATAGAGTAAATGTTGACCAAAGGGAGAAAATGTTTTACCTGGGTGCAGTATTCAATCCTC[T>A]CCAAAATGATGGCAAAGTTGGGCCTGTCTTCAGGCTGATGTTGCCAGCACTGAGTCATTA-3'
Protein context (NP_004295.2, residues 1371-1391): EDRPNFAIIL[Glu1381Val]RIEYCTQDPD

ClinVar aggregate classification (germline): Uncertain significance (1 of 4 stars; one submission).

Conditions:
Hereditary cancer-predisposing syndrome. Also called: Tumor predisposition; Hereditary neoplastic syndrome; Hereditary Cancer Syndrome; Neoplastic Syndromes, Hereditary. Identifiers: Orphanet 140162, MedGen C0027672, MeSH D009386, MONDO:0015356.

Allele frequency attached by ClinVar (database versions not stated): ExAC 0.00002.
gnomAD v4.1: 5 of 1,614,038 alleles (0.00031%); highest among the groups gnomAD compares: Non-Finnish European, 0.00034%; no homozygotes.

Submission:

Ambry Genetics
Classification: Uncertain significance for Hereditary cancer-predisposing syndrome. Last evaluated: 2023-11-24. Review status: criteria provided, single submitter. Criteria: Ambry Variant Classification Scheme 2023. Collection method: clinical testing. Allele origin: germline.
Comment: The p.E1381V variant (also known as c.4142A>T), located in coding exon 28 of the ALK gene, results from an A to T substitution at nucleotide position 4142. The glutamic acid at codon 1381 is replaced by valine, an amino acid with dissimilar properties. This amino acid position is conserved. In addition, this alteration is predicted to be deleterious by in silico analysis. Since supporting evidence is limited at this time, the clinical significance of this alteration remains unclear.